The following is an entry in ClinVar:

NM_020822.3(KCNT1):c.3120C>T (p.Ile1040=)

Gene: KCNT1 (potassium sodium-activated channel subfamily T member 1; plus strand). Cytogenetic location: 9q34.3.
Variant type: single nucleotide variant.
Coding change: c.3120C>T on transcript NM_020822.3 (MANE Select); coding-DNA position 3120, C replaced by T.
Protein change: p.Ile1040=; no amino-acid change (isoleucine 1040 retained).
Molecular consequence: synonymous variant.
Genome position (GRCh38, 1-based): chr9:135,784,853, C>T. VCF-style: chr9-135784853-C-T. GRCh37 (hg19) VCF-style: chr9-138676699-C-T.
Other names: c.2985C>T, p.Ile995= (NM_001272003.2).
Identifiers: ClinVar variation 1308301 (VCV001308301.2), dbSNP rs866628924, ClinGen allele CA201483786.

ClinVar aggregate classification (germline): Uncertain significance (1 of 4 stars; one submission).

Submission:

GeneDx
Classification: Uncertain significance. Last evaluated: 2019-03-28. Review status: criteria provided, single submitter. Criteria: GeneDx Variant Classification Process June 2021. Collection method: clinical testing. Allele origin: germline. Affected: yes.
Comment: Not observed in large population cohorts (Lek et al., 2016); Has not been previously published as pathogenic or benign to our knowledge; In-silico analysis, which includes splice predictors and evolutionary conservation, is inconclusive as to whether the variant alters gene splicing. In the absence of RNA/functional studies, the actual effect of this sequence change is unknown.